The following is an entry in ClinVar:

ClinVar aggregate classification (germline): Likely benign. Review status: criteria provided, multiple submitters, no conflicts (2 of 4 stars). 2 submissions from 2 submitters: Likely benign (2). Last evaluated 2026-04-01.

Allele frequency attached by ClinVar (database versions not stated): gnomAD exomes below 0.00001; gnomAD 0.00001.
gnomAD v4.1: 2 of 1,611,826 alleles (0.00012%); highest among the groups gnomAD compares: Admixed American, 0.0033%; no homozygotes.

Submissions (2):

CeGaT Center for Human Genetics Tuebingen
Classification: Likely benign. Last evaluated: 2026-04-01. Review status: criteria provided, single submitter. Criteria: CeGaT Center For Human Genetics Tuebingen Variant Classification Criteria Version 2. Collection method: clinical testing. Allele origin: germline. Affected: yes. Observed: 1 variant allele.
Comment: ECHS1: BP4, BP7

Labcorp Genetics (formerly Invitae), Labcorp
Classification: Likely benign. Last evaluated: 2023-07-10. Review status: criteria provided, single submitter. Criteria: Invitae Variant Classification Sherloc (09022015). Collection method: clinical testing. Allele origin: germline.

NM_004092.4(ECHS1):c.603G>A (p.Gln201=)

Gene: ECHS1 (enoyl-CoA hydratase, short chain 1; minus strand). Cytogenetic location: 10q26.3.
Variant type: single nucleotide variant.
Coding change: c.603G>A on transcript NM_004092.4 (MANE Select); coding-DNA position 603, G replaced by A.
Protein change: p.Gln201=; no amino-acid change (glutamine 201 retained).
Molecular consequence: synonymous variant.
Genome position (GRCh38, 1-based): chr10:133,366,905, C>T on the plus strand (G>A on the coding strand, the complement: ECHS1 is on the minus strand). VCF-style: chr10-133366905-C-T. GRCh37 (hg19) VCF-style: chr10-135180409-C-T.
Identifiers: ClinVar variation 1665196 (VCV001665196.10), dbSNP rs1849042273, ClinGen allele CA472220318.
Genomic context (GRCh38, chr10:133,366,905, plus strand): 5'-CCCCGGGTTTCCAGGTGGCTCTTGCGGGCAGCCCCAACCCATACCTGCTTGCTTGGCGTC[C>T]TGGGCTGAGATCCGGTCACCAGTGAGGACCATCTCCATCGCCAGCGACTTCCCAACAGCA-3'
Protein context (NP_004083.3, residues 191-211): MVLTGDRISA[Gln201=]DAKQAGLVSK